The following is an entry in ClinVar:

NM_031407.7(HUWE1):c.10461_10469del (p.3488STT[1])

Gene: HUWE1 (HECT, UBA and WWE domain containing E3 ubiquitin protein ligase 1; minus strand). Cytogenetic location: Xp11.22.
Variant type: Deletion.
Coding change: c.10461_10469del on transcript NM_031407.7 (MANE Select); coding-DNA positions 10461 to 10469, 9 bases deleted (CTCAACCAC; older notation c.10461_10469delCTCAACCAC).
Protein change: p.3488STT[1].
Molecular consequence: inframe deletion.
Genome position (GRCh38, 1-based): chrX:53,547,840-53,547,848, GTGGTTGAG deleted on the plus strand (CTCAACCAC on the coding strand, the reverse complement: HUWE1 is on the minus strand); deleting any 9 consecutive bases within chrX:53,547,840-53,547,852 gives the same sequence; the c. name uses the placement nearest the transcript's 3' end. VCF-style (leftmost placement, unchanged base first): chrX-53547839-TGTGGTTGAG-T. GRCh37 (hg19) VCF-style: chrX-53574800-TGTGGTTGAG-T.
Identifiers: ClinVar variation 2228170 (VCV002228170.2), dbSNP rs2523126457, ClinGen allele CA2580101230.

ClinVar aggregate classification (germline): Uncertain significance (1 of 4 stars; one submission).

Conditions:
Inborn genetic diseases. Identifiers: MedGen C0950123, MeSH D030342.

Submission:

Ambry Genetics
Classification: Uncertain significance for Inborn genetic diseases. Last evaluated: 2020-12-04. Review status: criteria provided, single submitter. Criteria: Ambry Variant Classification Scheme 2023. Collection method: clinical testing. Allele origin: germline.
Comment: The c.10461_10469delCTCAACCAC (p.S3491_T3493del) alteration, located in exon 68 (coding exon 65) of the HUWE1 gene, results from an in-frame deletion of 9 nucleotides at positions 10461 to 10469, resulting in the deletion of 3 amino acids between codons 3491 and 3493. Based on data from the Genome Aggregation Database (gnomAD), the HUWE1 c.10461_10469delCTCAACCAC alteration was not observed, with coverage at this position. The p.S3491_T3493del alteration is predicted to be neutral with a score of -1.012 by PROVEAN in silico analysis. Based on insufficient or conflicting evidence, the clinical significance of this alteration remains unclear.